The following is an entry in ClinVar:

NM_144573.4(NEXN):c.1539G>C (p.Met513Ile)

Gene: NEXN (nexilin F-actin binding protein; plus strand). Cytogenetic location: 1p31.1.
Variant type: single nucleotide variant.
Coding change: c.1539G>C on transcript NM_144573.4 (MANE Select); coding-DNA position 1539, G replaced by C.
Protein change: p.Met513Ile; replaces methionine 513 with isoleucine.
Molecular consequence: missense variant.
Genome position (GRCh38, 1-based): chr1:77,942,088, G>C. VCF-style: chr1-77942088-G-C. GRCh37 (hg19) VCF-style: chr1-78407773-G-C.
Other names: c.1347G>C, p.Met449Ile (NM_001172309.2); short protein forms M449I, M513I.
Identifiers: ClinVar variation 4119034 (VCV004119034.1).

ClinVar aggregate classification (germline): Uncertain significance (1 of 4 stars; one submission).

Conditions:
Cardiovascular phenotype. Identifiers: MedGen CN230736.

Submission:

Ambry Genetics
Classification: Uncertain significance for Cardiovascular phenotype. Last evaluated: 2025-06-23. Review status: criteria provided, single submitter. Criteria: Ambry Variant Classification Scheme 2023. Collection method: clinical testing. Allele origin: germline.
Comment: The p.M513I variant (also known as c.1539G>C), located in coding exon 11 of the NEXN gene, results from a G to C substitution at nucleotide position 1539. The methionine at codon 513 is replaced by isoleucine, an amino acid with highly similar properties. This amino acid position is conserved. In addition, this alteration is predicted to be deleterious by in silico analysis. Based on the available evidence, the clinical significance of this variant remains unclear.